The following is an entry in ClinVar:

NM_000875.5(IGF1R):c.14C>G (p.Ser5Cys)

Genes: IGF1R (insulin like growth factor 1 receptor; plus strand), IRAIN (IGF1R antisense imprinted non-protein coding RNA; minus strand). Cytogenetic location: 15q26.3.
Variant type: single nucleotide variant.
Coding change: c.14C>G on transcript NM_000875.5 (MANE Select); coding-DNA position 14, C replaced by G.
Protein change: p.Ser5Cys; replaces serine 5 with cysteine.
Molecular consequence: missense variant. On other transcripts: non-coding transcript variant (1).
Genome position (GRCh38, 1-based): chr15:98,649,595, C>G. VCF-style: chr15-98649595-C-G. GRCh37 (hg19) VCF-style: chr15-99192824-C-G.
Other names: c.14C>G, p.Ser5Cys (NM_001291858.2); short protein forms S5C.
Identifiers: ClinVar variation 3692970 (VCV003692970.2).

ClinVar aggregate classification (germline): Uncertain significance (1 of 4 stars; one submission).

gnomAD v4.1: 1 of 1,593,752 alleles (0.000063%); highest among the groups gnomAD compares: Non-Finnish European, 0.000086%; no homozygotes.

Submission:

Labcorp Genetics (formerly Invitae), Labcorp
Classification: Uncertain significance. Last evaluated: 2024-07-15. Review status: criteria provided, single submitter. Criteria: Invitae Variant Classification Sherloc (09022015). Collection method: clinical testing. Allele origin: germline.
Comment: This sequence change replaces serine, which is neutral and polar, with cysteine, which is neutral and slightly polar, at codon 5 of the IGF1R protein (p.Ser5Cys). This variant is not present in population databases (gnomAD no frequency). This variant has not been reported in the literature in individuals affected with IGF1R-related conditions. An algorithm developed to predict the effect of missense changes on protein structure and function (PolyPhen-2) suggests that this variant is likely to be tolerated. In summary, the available evidence is currently insufficient to determine the role of this variant in disease. Therefore, it has been classified as a Variant of Uncertain Significance.